The following is an entry in ClinVar:

ClinVar aggregate classification (germline): Likely benign (1 of 4 stars; one submission).

Conditions:
PKD1L1-related disorder. Also called: PKD1L1-related condition.

gnomAD v4.1: 10 of 1,613,944 alleles (0.00062%); highest among the groups gnomAD compares: East Asian, 0.0022%; no homozygotes.

Submission:

PreventionGenetics, part of Exact Sciences
Classification: Likely benign for PKD1L1-related condition. Last evaluated: 2026-07-22. Review status: criteria provided, single submitter. Criteria: ACMG Guidelines, 2015. Collection method: clinical testing. Allele origin: germline.
Comment: This variant is classified as likely benign based on ACMG/AMP sequence variant interpretation guidelines (Richards et al. 2015 PMID: 25741868, with internal and published modifications).

NM_138295.5(PKD1L1):c.7131C>T (p.Ser2377=)

Genes: PKD1L1 (polycystin 1 like 1, transient receptor potential channel interacting; minus strand), PKD1L1-AS1 (PKD1L1 antisense RNA 1; plus strand). Cytogenetic location: 7p12.3.
Variant type: single nucleotide variant.
Coding change: c.7131C>T on transcript NM_138295.5 (MANE Select); coding-DNA position 7131, C replaced by T.
Protein change: p.Ser2377=; no amino-acid change (serine 2377 retained).
Molecular consequence: synonymous variant.
Genome position (GRCh38, 1-based): chr7:47,813,973, G>A on the plus strand (C>T on the coding strand, the complement: PKD1L1 is on the minus strand). VCF-style: chr7-47813973-G-A. GRCh37 (hg19) VCF-style: chr7-47853571-G-A.
Identifiers: ClinVar variation 4994009 (VCV004994009.1).